The following is an entry in ClinVar:

NM_001040108.2(MLH3):c.3410C>T (p.Ser1137Leu)

Gene: MLH3 (mutL homolog 3; minus strand). Cytogenetic location: 14q24.3.
Variant type: single nucleotide variant.
Coding change: c.3410C>T on transcript NM_001040108.2 (MANE Select); coding-DNA position 3410, C replaced by T.
Protein change: p.Ser1137Leu; replaces serine 1137 with leucine.
Molecular consequence: missense variant.
Genome position (GRCh38, 1-based): chr14:75,041,670, G>A on the plus strand (C>T on the coding strand, the complement: MLH3 is on the minus strand). VCF-style: chr14-75041670-G-A. GRCh37 (hg19) VCF-style: chr14-75508373-G-A.
Other names: c.3410C>T, p.Ser1137Leu (NM_014381.3); short protein forms S1137L.
Identifiers: ClinVar variation 959016 (VCV000959016.12), dbSNP rs781462940, ClinGen allele CA7275504.

ClinVar aggregate classification (germline): Uncertain significance. Review status: criteria provided, multiple submitters, no conflicts (2 of 4 stars). 3 submissions from 3 submitters: Uncertain significance (3). Last evaluated 2025-05-20.

Conditions:
Colorectal cancer, hereditary nonpolyposis, type 7. Identifiers: Orphanet 144, MedGen C1858380, MONDO:0013725, OMIM 614385.
Endometrial carcinoma. Also called: Endometrial carcinoma, somatic. Identifiers: MedGen C0476089, MONDO:0002447, OMIM 608089, HP:0012114.
Colorectal cancer. Also called: Colorectal cancer, somatic; Malignant Colorectal Neoplasm. Identifiers: MedGen C0346629, MONDO:0005575, OMIM 114500.

Allele frequency attached by ClinVar (database versions not stated): gnomAD below 0.00001 and 0.00001; gnomAD exomes below 0.00001; TOPMed below 0.00001; ExAC 0.00001.
gnomAD v4.1: 8 of 1,613,898 alleles (0.0005%); highest among the groups gnomAD compares: South Asian, 0.0033%; no homozygotes.

Submissions (3):

Ambry Genetics
Classification: Uncertain significance. Last evaluated: 2025-05-20. Review status: criteria provided, single submitter. Criteria: Ambry Variant Classification Scheme 2023. Collection method: clinical testing. Allele origin: germline.
Comment: The p.S1137L variant (also known as c.3410C>T), located in coding exon 3 of the MLH3 gene, results from a C to T substitution at nucleotide position 3410. The serine at codon 1137 is replaced by leucine, an amino acid with dissimilar properties. This amino acid position is well conserved in available vertebrate species. In addition, this alteration is predicted to be tolerated by in silico analysis. The evidence for this gene-disease relationship is limited; therefore, the clinical significance of this alteration is unclear.

Labcorp Genetics (formerly Invitae), Labcorp
Classification: Uncertain significance for Colorectal cancer, hereditary nonpolyposis, type 7. Last evaluated: 2025-03-03. Review status: criteria provided, single submitter. Criteria: Invitae Variant Classification Sherloc (09022015). Collection method: clinical testing. Allele origin: germline.
Comment: This sequence change replaces serine, which is neutral and polar, with leucine, which is neutral and non-polar, at codon 1137 of the MLH3 protein (p.Ser1137Leu). This variant is present in population databases (rs781462940, gnomAD 0.01%). This variant has not been reported in the literature in individuals affected with MLH3-related conditions. ClinVar contains an entry for this variant (Variation ID: 959016). An algorithm developed to predict the effect of missense changes on protein structure and function outputs the following: PolyPhen-2: "Benign". The leucine amino acid residue is found in multiple mammalian species, which suggests that this missense change does not adversely affect protein function. In summary, the available evidence is currently insufficient to determine the role of this variant in disease. Therefore, it has been classified as a Variant of Uncertain Significance.

Department of Pathology and Laboratory Medicine, Sinai Health System
Classification: Uncertain significance for Colorectal cancer; Endometrial carcinoma; Colorectal cancer, hereditary nonpolyposis, type 7. Last evaluated: 2024-02-21. Review status: criteria provided, single submitter. Criteria: ACMG Guidelines, 2015. Collection method: clinical testing. Allele origin: germline. Affected: yes.